The following is an entry in ClinVar:

NM_152381.6(XIRP2):c.8577T>C (p.Asp2859=)

Gene: XIRP2 (xin actin binding repeat containing 2; plus strand). Cytogenetic location: 2q24.3.
Variant type: single nucleotide variant.
Coding change: c.8577T>C on transcript NM_152381.6 (MANE Select); coding-DNA position 8577, T replaced by C.
Protein change: p.Asp2859=; no amino-acid change (aspartic acid 2859 retained).
Molecular consequence: synonymous variant. On other transcripts: intron variant (3).
Genome position (GRCh38, 1-based): chr2:167,249,969, T>C. VCF-style: chr2-167249969-T-C. GRCh37 (hg19) VCF-style: chr2-168106479-T-C.
Other names: c.7911T>C, p.Asp2637= (NM_001199144.2); c.1276-4063T>C (NM_001199143.2); c.1177-4063T>C (NM_001079810.4); c.511-4063T>C (NM_001199145.2); c.8577T>C (NM_152381.5).
Identifiers: ClinVar variation 728647 (VCV000728647.6), dbSNP rs76493934, ClinGen allele CA1947850.

ClinVar aggregate classification (germline): Benign. Review status: criteria provided, multiple submitters, no conflicts (2 of 4 stars). 3 submissions from 3 submitters: Benign (2). 1 of the submissions does not count toward it. Last evaluated 2018-09-19.

Conditions:
XIRP2-related disorder. Also called: XIRP2-related condition.

Allele frequency attached by ClinVar (database versions not stated): ESP Exome Variant Server 0.00008; gnomAD 0.00090 and 0.00169; gnomAD exomes 0.00168 and 0.00301; TOPMed 0.00175; ExAC 0.00302; 1000 Genomes Project 30x 0.00921; 1000 Genomes Project 0.01038.
gnomAD v4.1: 2,701 of 1,613,576 alleles (0.17%); highest among the groups gnomAD compares: East Asian, 5.6%; 80 homozygotes.

Submissions (3):

Labcorp Genetics (formerly Invitae), Labcorp
Classification: Benign. Last evaluated: 2018-09-19. Review status: criteria provided, single submitter. Criteria: Invitae Variant Classification Sherloc (09022015). Collection method: clinical testing. Allele origin: germline.

Breakthrough Genomics
Classification: Benign. Review status: criteria provided, single submitter. Criteria: ACMG Guidelines, 2015. Collection method: not provided. Allele origin: germline. Inheritance: Unknown mechanism. Affected: yes.

PreventionGenetics, part of Exact Sciences
Classification: Benign for XIRP2-related condition. Last evaluated: 2019-03-27. Review status: no assertion criteria provided. Collection method: clinical testing. Allele origin: germline. Not counted in ClinVar's aggregate classification.
Comment: This variant is classified as benign based on ACMG/AMP sequence variant interpretation guidelines (Richards et al. 2015 PMID: 25741868, with internal and published modifications).